The following is an entry in ClinVar:

ClinVar aggregate classification (germline): Pathogenic (1 of 4 stars; one submission).

Conditions:
Hereditary cancer-predisposing syndrome. Also called: Neoplastic Syndromes, Hereditary; Tumor predisposition; Hereditary neoplastic syndrome; Hereditary Cancer Syndrome. Identifiers: Orphanet 140162, MedGen C0027672, MeSH D009386, MONDO:0015356.

Submission:

Ambry Genetics
Classification: Pathogenic for Hereditary cancer-predisposing syndrome. Last evaluated: 2023-11-22. Review status: criteria provided, single submitter. Criteria: Ambry Variant Classification Scheme 2023. Collection method: clinical testing. Allele origin: germline.
Comment: The c.2385_2386insAA pathogenic mutation, located in coding exon 10 of the BRCA2 gene, results from an insertion of two nucleotides at position 2385, causing a translational frameshift with a predicted alternate stop codon (p.D796Kfs*15). This alteration is expected to result in loss of function by premature protein truncation or nonsense-mediated mRNA decay. As such, this alteration is interpreted as a disease-causing mutation.

NM_000059.4(BRCA2):c.2385_2386insAA (p.Asp796fs)

Gene: BRCA2 (BRCA2 DNA repair associated; plus strand). Cytogenetic location: 13q13.1.
Variant type: Insertion.
Coding change: c.2385_2386insAA on transcript NM_000059.4 (MANE Select); coding-DNA positions 2385 to 2386, AA inserted.
Protein change: p.Asp796fs; shifts the reading frame from aspartic acid 796.
Molecular consequence: frameshift variant.
Genome position: GRCh38 VCF-style: chr13-32336739-C-CAA. GRCh37 (hg19) VCF-style: chr13-32910876-C-CAA.
Other names: c.2385_2386insAA (NM_000059.3); short protein forms D796fs.
Identifiers: ClinVar variation 3225924 (VCV003225924.1), dbSNP rs2548523753, ClinGen allele CA2499222104.